The following is an entry in ClinVar:

ClinVar aggregate classification (germline): Likely pathogenic (1 of 4 stars; one submission).

Conditions:
Nemaline myopathy 2 (NEM2). Also called: Nemaline myopathy 2, autosomal recessive. Identifiers: MedGen C1850569, MONDO:0009725, OMIM 256030.

Submission:

Myriad Genetics, Inc.
Classification: Likely pathogenic for Nemaline myopathy 2. Last evaluated: 2022-02-17. Review status: criteria provided, single submitter. Criteria: Myriad Women's Health Autosomal Recessive and X-Linked Classification Criteria (2021). Collection method: clinical testing. Allele origin: unknown.
Comment: NM_001271208.1(NEB):c.931A>T(K311*) is expected to be pathogenic in the context of NEB-related nemaline myopathy. This variant is predicted to lead to an abnormal or absent protein product due to the creation of a premature termination codon in NEB, a gene where loss-of-function variants are known to be pathogenic. Please note: this variant was assessed in the context of healthy population screening.

NM_001164508.2(NEB):c.931A>T (p.Lys311Ter)

Gene: NEB (nebulin; minus strand). Cytogenetic location: 2q23.3.
Variant type: single nucleotide variant.
Coding change: c.931A>T on transcript NM_001164508.2 (MANE Select); coding-DNA position 931, A replaced by T.
Protein change: p.Lys311Ter; replaces lysine 311 with a stop codon.
Molecular consequence: nonsense.
Genome position (GRCh38, 1-based): chr2:151,709,760, T>A on the plus strand (A>T on the coding strand, the complement: NEB is on the minus strand). VCF-style: chr2-151709760-T-A. GRCh37 (hg19) VCF-style: chr2-152566274-T-A.
Other names: c.931A>T, p.Lys311Ter (NM_001164507.2, NM_001271208.2, NM_004543.5); short protein forms K311*.
Identifiers: ClinVar variation 1724455 (VCV001724455.2), dbSNP rs2552274641, ClinGen allele CA348786427.